The following is an entry in ClinVar:

ClinVar aggregate classification (germline): Uncertain significance (1 of 4 stars; one submission).

Conditions:
Atrial standstill 1 (ATRST1). Also called: ATRIAL CARDIOMYOPATHY WITH HEART BLOCK; Atrial standstill, digenic (GJA5/SCN5A); CARDIOMYOPATHY, FAMILIAL, WITH CONDUCTION DISTURBANCE. Identifiers: Orphanet 1344, MedGen C4551959, MONDO:0007171, OMIM 108770.
Atrial fibrillation, familial, 11 (ATFB11). Identifiers: MedGen C3279693, MONDO:0013544, OMIM 614049.

Submission:

Labcorp Genetics (formerly Invitae), Labcorp
Classification: Uncertain significance for Atrial fibrillation, familial, 11; Atrial standstill 1. Last evaluated: 2019-05-03. Review status: criteria provided, single submitter. Criteria: Invitae Variant Classification Sherloc (09022015). Collection method: clinical testing. Allele origin: germline.
Comment: In summary, the available evidence is currently insufficient to determine the role of this variant in disease. Therefore, it has been classified as a Variant of Uncertain Significance. Algorithms developed to predict the effect of missense changes on protein structure and function are either unavailable or do not agree on the potential impact of this missense change (SIFT: "Not Available"; PolyPhen-2: "Benign"; Align-GVGD: "Not Available"). This variant has not been reported in the literature in individuals with GJA5-related disease. This variant is not present in population databases (ExAC no frequency). This sequence change replaces alanine with threonine at codon 50 of the GJA5 protein (p.Ala50Thr). The alanine residue is moderately conserved and there is a small physicochemical difference between alanine and threonine.

NM_181703.4(GJA5):c.148G>A (p.Ala50Thr)

Gene: GJA5 (gap junction protein alpha 5; minus strand). Cytogenetic location: 1q21.2.
Variant type: single nucleotide variant.
Coding change: c.148G>A on transcript NM_181703.4 (MANE Select); coding-DNA position 148, G replaced by A.
Protein change: p.Ala50Thr; replaces alanine 50 with threonine.
Molecular consequence: missense variant.
Genome position (GRCh38, 1-based): chr1:147,759,091, C>T on the plus strand (G>A on the coding strand, the complement: GJA5 is on the minus strand). VCF-style: chr1-147759091-C-T. GRCh37 (hg19) VCF-style: chr1-147231199-C-T.
Other names: c.148G>A, p.Ala50Thr (NM_005266.7); short protein forms A50T.
Identifiers: ClinVar variation 638996 (VCV000638996.9), dbSNP rs782167622, ClinGen allele CA342398137.